The following is an entry in ClinVar:

ClinVar aggregate classification (germline): Uncertain significance (1 of 4 stars; one submission).

Conditions:
Intellectual disability, autosomal recessive 53 (NEDHSCA). Also called: GLYCOSYLPHOSPHATIDYLINOSITOL BIOSYNTHESIS DEFECT 13; Mental retardation, autosomal recessive 53; NEURODEVELOPMENTAL DISORDER WITH OR WITHOUT HYPOTONIA, SEIZURES, AND CEREBELLAR ATROPHY. Identifiers: Orphanet 488635, MedGen C4310794, MONDO:0014832, OMIM 616917.

Allele frequency attached by ClinVar (database versions not stated): gnomAD exomes below 0.00001; TOPMed below 0.00001.
gnomAD v4.1: 2 of 1,613,940 alleles (0.00012%); highest among the groups gnomAD compares: Non-Finnish European, 0.000085%; no homozygotes.

Submission:

Labcorp Genetics (formerly Invitae), Labcorp
Classification: Uncertain significance for Intellectual disability, autosomal recessive 53. Last evaluated: 2022-04-17. Review status: criteria provided, single submitter. Criteria: Invitae Variant Classification Sherloc (09022015). Collection method: clinical testing. Allele origin: germline.
Comment: In summary, the available evidence is currently insufficient to determine the role of this variant in disease. Therefore, it has been classified as a Variant of Uncertain Significance. This sequence change replaces leucine, which is neutral and non-polar, with valine, which is neutral and non-polar, at codon 705 of the PIGG protein (p.Leu705Val). This variant is not present in population databases (gnomAD no frequency). This variant has not been reported in the literature in individuals affected with PIGG-related conditions. Algorithms developed to predict the effect of missense changes on protein structure and function are either unavailable or do not agree on the potential impact of this missense change (SIFT: "Tolerated"; PolyPhen-2: "Probably Damaging"; Align-GVGD: "Class C0").

NM_001127178.3(PIGG):c.2113C>G (p.Leu705Val)

Gene: PIGG (phosphatidylinositol glycan anchor biosynthesis class G (EMM blood group); plus strand). Cytogenetic location: 4p16.3.
Variant type: single nucleotide variant.
Coding change: c.2113C>G on transcript NM_001127178.3 (MANE Select); coding-DNA position 2113, C replaced by G.
Protein change: p.Leu705Val; replaces leucine 705 with valine.
Molecular consequence: missense variant. On other transcripts: non-coding transcript variant (10).
Genome position (GRCh38, 1-based): chr4:527,082, C>G. VCF-style: chr4-527082-C-G. GRCh37 (hg19) VCF-style: chr4-520871-C-G.
Other names: c.1822C>G, p.Leu608Val (NM_001345987.2); c.1084C>G, p.Leu362Val (NM_001345988.2); c.580C>G, p.Leu194Val (NM_001345990.2, NM_001345991.2); c.1015C>G, p.Leu339Val (NM_001345994.2); c.2089C>G, p.Leu697Val (NM_017733.5); c.1846C>G, p.Leu616Val (NM_001289051.2, NM_001345986.2); c.1714C>G, p.Leu572Val (NM_001289052.2); short protein forms L339V, L362V, L608V, L616V, L194V, L572V, L697V, L705V.
Identifiers: ClinVar variation 1961990 (VCV001961990.5), dbSNP rs1727839109, ClinGen allele CA355908522.